The following is an entry in ClinVar:

ClinVar aggregate classification (germline): Uncertain significance. Review status: criteria provided, multiple submitters, no conflicts (2 of 4 stars). 2 submissions from 2 submitters: Uncertain significance (2). Last evaluated 2024-08-29.

Conditions:
Autosomal dominant hypocalcemia 2. Identifiers: Orphanet 2238, Orphanet 428, MedGen C3809243, MONDO:0014146, OMIM 615361.
Familial hypocalciuric hypercalcemia 2. Also called: Hypocalciuric hypercalcemia, familial, type II; Hypocalciuric hypercalcemia, type II; FAMILIAL BENIGN HYPERCALCEMIA, TYPE II. Identifiers: Orphanet 101049, Orphanet 405, MedGen C1840347, MONDO:0007792, OMIM 145981.

Submissions (2):

Labcorp Genetics (formerly Invitae), Labcorp
Classification: Uncertain significance. Last evaluated: 2024-08-29. Review status: criteria provided, single submitter. Criteria: Invitae Variant Classification Sherloc (09022015). Collection method: clinical testing. Allele origin: germline.
Comment: This sequence change affects an acceptor splice site in intron 4 of the GNA11 gene. It is expected to disrupt RNA splicing. Variants that disrupt the donor or acceptor splice site typically lead to a loss of protein function (PMID: 16199547), however the current clinical and genetic evidence is not sufficient to establish whether loss-of-function variants in GNA11 cause disease. This variant is not present in population databases (gnomAD no frequency). This variant has not been reported in the literature in individuals affected with GNA11-related conditions. ClinVar contains an entry for this variant (Variation ID: 1926750). Algorithms developed to predict the effect of sequence changes on RNA splicing suggest that this variant may disrupt the consensus splice site. In summary, the available evidence is currently insufficient to determine the role of this variant in disease. Therefore, it has been classified as a Variant of Uncertain Significance.

Fulgent Genetics
Classification: Uncertain significance for Familial hypocalciuric hypercalcemia 2; Autosomal dominant hypocalcemia 2. Last evaluated: 2024-01-17. Review status: criteria provided, single submitter. Criteria: ACMG Guidelines, 2015. Collection method: clinical testing. Allele origin: germline.

Literature cited by the submitters: PubMed 16199547 (cited by Labcorp Genetics (formerly Invitae), Labcorp).

NM_002067.5(GNA11):c.606-2A>G

Gene: GNA11 (G protein subunit alpha 11; plus strand). Cytogenetic location: 19p13.3.
Variant type: single nucleotide variant.
Coding change: c.606-2A>G on transcript NM_002067.5 (MANE Select); the canonical splice acceptor site of the intron before coding-DNA position 606, A replaced by G.
Molecular consequence: splice acceptor variant.
Genome position (GRCh38, 1-based): chr19:3,118,922, A>G. VCF-style: chr19-3118922-A-G. GRCh37 (hg19) VCF-style: chr19-3118920-A-G.
Identifiers: ClinVar variation 1926750 (VCV001926750.6), dbSNP rs1286504313, ClinGen allele CA403310474.